The following is an entry in ClinVar:

NM_024652.6(LRRK1):c.4827G>A (p.Lys1609=)

Genes: LRRK1 (leucine rich repeat kinase 1; plus strand), LRRK1-AS1 (LRRK1 antisense RNA 1; minus strand). Cytogenetic location: 15q26.3.
Variant type: single nucleotide variant.
Coding change: c.4827G>A on transcript NM_024652.6 (MANE Select); coding-DNA position 4827, G replaced by A.
Protein change: p.Lys1609=; no amino-acid change (lysine 1609 retained).
Molecular consequence: synonymous variant.
Genome position (GRCh38, 1-based): chr15:101,062,603, G>A. VCF-style: chr15-101062603-G-A. GRCh37 (hg19) VCF-style: chr15-101602808-G-A.
Identifiers: ClinVar variation 1383846 (VCV001383846.32), dbSNP rs542425944, ClinGen allele CA7761983.
Genomic context (GRCh38, chr15:101,062,603, plus strand): 5'-GGTCTCACAGTGGACCTGTCTGCCTCTGCAGGACCAGAAAATCTACATCTACACCCTCAA[G>A]GGCATGTGCCCCTTAAACACACCCCAACAGGCCTTGGATACTCCAGCTGTCGTCACCTGC-3'
Protein context (NP_078928.3, residues 1599-1619): EDQKIYIYTL[Lys1609=]GMCPLNTPQQ

ClinVar aggregate classification (germline): Likely benign. Review status: criteria provided, multiple submitters, no conflicts (2 of 4 stars). 3 submissions from 3 submitters: Likely benign (3). Last evaluated 2025-08-05.

Allele frequency attached by ClinVar (database versions not stated): gnomAD exomes 0.00001 and 0.00002; ExAC 0.00003; 1000 Genomes Project 30x 0.00016; TOPMed 0.00017; gnomAD 0.00018 and 0.00019; 1000 Genomes Project 0.00020.

Submissions (3):

Labcorp Genetics (formerly Invitae), Labcorp
Classification: Likely benign. Last evaluated: 2025-08-05. Review status: criteria provided, single submitter. Criteria: Invitae Variant Classification Sherloc (09022015). Collection method: clinical testing. Allele origin: germline.

CeGaT Center for Human Genetics Tuebingen
Classification: Likely benign. Last evaluated: 2023-04-01. Review status: criteria provided, single submitter. Criteria: CeGaT Center For Human Genetics Tuebingen Variant Classification Criteria Version 2. Collection method: clinical testing. Allele origin: germline. Affected: yes. Observed: 1 variant allele.
Comment: LRRK1: BP4, BP7

Blueprint Genetics
Classification: Likely benign. Last evaluated: 2022-10-20. Review status: criteria provided, single submitter. Criteria: ACMG Guidelines, 2015. Collection method: clinical testing. Allele origin: germline.